The following is an entry in ClinVar:

ClinVar aggregate classification (germline): Pathogenic (1 of 4 stars; one submission).

Submission:

Labcorp Genetics (formerly Invitae), Labcorp
Classification: Pathogenic. Last evaluated: 2021-09-08. Review status: criteria provided, single submitter. Criteria: Invitae Variant Classification Sherloc (09022015). Collection method: clinical testing. Allele origin: germline.
Comment: This sequence change affects an acceptor splice site in intron 2 of the ATP6V1B1 gene. It is expected to disrupt RNA splicing. Variants that disrupt the donor or acceptor splice site typically lead to a loss of protein function (PMID: 16199547), and loss-of-function variants in ATP6V1B1 are known to be pathogenic (PMID: 9916796, 18368028). For these reasons, this variant has been classified as Pathogenic. Algorithms developed to predict the effect of sequence changes on RNA splicing suggest that this variant may disrupt the consensus splice site. This variant is not present in population databases (ExAC no frequency). Disruption of this splice site has been observed in individuals with distal renal tubular acidosis (dRTA) with sensorineural hearing loss (PMID: 16611712, 25285676, 31733597).

Literature cited by the submitters: PubMed 16199547; PubMed 9916796; PubMed 18368028; PubMed 16611712; PubMed 25285676; PubMed 31733597.

NM_001692.4(ATP6V1B1):c.175-1G>A

Gene: ATP6V1B1 (ATPase H+ transporting V1 subunit B1; plus strand). Cytogenetic location: 2p13.3.
Variant type: single nucleotide variant.
Coding change: c.175-1G>A on transcript NM_001692.4 (MANE Select); the canonical splice acceptor site of the intron before coding-DNA position 175, G replaced by A.
Molecular consequence: splice acceptor variant.
Genome position (GRCh38, 1-based): chr2:70,958,045, G>A. VCF-style: chr2-70958045-G-A. GRCh37 (hg19) VCF-style: chr2-71185175-G-A.
Identifiers: ClinVar variation 1400673 (VCV001400673.6), dbSNP rs1572919267, ClinGen allele CA347180424.